The following is an entry in ClinVar:

NM_000260.4(MYO7A):c.3157C>T (p.Pro1053Ser)

Gene: MYO7A (myosin VIIA; plus strand). Cytogenetic location: 11q13.5.
Variant type: single nucleotide variant.
Coding change: c.3157C>T on transcript NM_000260.4 (MANE Select); coding-DNA position 3157, C replaced by T.
Protein change: p.Pro1053Ser; replaces proline 1053 with serine.
Molecular consequence: missense variant.
Genome position (GRCh38, 1-based): chr11:77,182,472, C>T. VCF-style: chr11-77182472-C-T. GRCh37 (hg19) VCF-style: chr11-76893517-C-T.
Other names: c.3157C>T, p.Pro1053Ser (NM_001127180.2); c.3124C>T, p.Pro1042Ser (NM_001369365.1); short protein forms P1053S, P1042S.
Identifiers: ClinVar variation 493097 (VCV000493097.53), dbSNP rs370104824, ClinGen allele CA6198003.

ClinVar aggregate classification (germline): Uncertain significance. Review status: criteria provided, multiple submitters, no conflicts (2 of 4 stars). 7 submissions from 7 submitters: Uncertain significance (6). 1 of the submissions does not count toward it. Last evaluated 2026-06-26.

Conditions:
Inborn genetic diseases. Identifiers: MedGen C0950123, MeSH D030342.
Usher syndrome type 1B (USH1B). Also called: Usher syndrome type IB. Identifiers: MedGen C1848638, MONDO:0700087.

Allele frequency attached by ClinVar (database versions not stated): TOPMed 0.00007; gnomAD 0.00010; ESP Exome Variant Server 0.00016.
gnomAD v4.1: 341 of 1,613,324 alleles (0.021%); highest among the groups gnomAD compares: Non-Finnish European, 0.028%; no homozygotes.

Submissions (7):

GeneDx
Classification: Uncertain significance. Last evaluated: 2026-06-26. Review status: criteria provided, single submitter. Criteria: GeneDx Variant Classification Process June 2021. Collection method: clinical testing. Allele origin: germline.
Comment: In silico analysis supports that this missense variant has a deleterious effect on protein structure/function; Has not been previously published as pathogenic or benign to our knowledge

Labcorp Genetics (formerly Invitae), Labcorp
Classification: Uncertain significance. Last evaluated: 2025-01-13. Review status: criteria provided, single submitter. Criteria: Invitae Variant Classification Sherloc (09022015). Collection method: clinical testing. Allele origin: germline.
Comment: This sequence change replaces proline, which is neutral and non-polar, with serine, which is neutral and polar, at codon 1053 of the MYO7A protein (p.Pro1053Ser). This variant is present in population databases (rs370104824, gnomAD 0.02%). This variant has not been reported in the literature in individuals affected with MYO7A-related conditions. ClinVar contains an entry for this variant (Variation ID: 493097). Invitae Evidence Modeling of protein sequence and biophysical properties (such as structural, functional, and spatial information, amino acid conservation, physicochemical variation, residue mobility, and thermodynamic stability) has been performed for this missense variant. However, the output from this modeling did not meet the statistical confidence thresholds required to predict the impact of this variant on MYO7A protein function. In summary, the available evidence is currently insufficient to determine the role of this variant in disease. Therefore, it has been classified as a Variant of Uncertain Significance.

Ambry Genetics
Classification: Uncertain significance for Inborn genetic diseases. Last evaluated: 2024-11-26. Review status: criteria provided, single submitter. Criteria: Ambry Variant Classification Scheme 2023. Collection method: clinical testing. Allele origin: germline.

Blueprint Genetics
Classification: Uncertain significance. Last evaluated: 2024-11-06. Review status: criteria provided, single submitter. Criteria: ACMG Guidelines, 2015. Collection method: clinical testing. Allele origin: germline.

CeGaT Center for Human Genetics Tuebingen
Classification: Uncertain significance. Last evaluated: 2017-07-01. Review status: criteria provided, single submitter. Criteria: CeGaT Center For Human Genetics Tuebingen Variant Classification Criteria Version 2. Collection method: clinical testing. Allele origin: germline. Affected: yes. Observed: 1 variant allele.

Laboratory for Molecular Medicine, Mass General Brigham Personalized Medicine
Classification: Uncertain significance. Last evaluated: 2016-06-02. Review status: criteria provided, single submitter. Criteria: LMM Criteria. Collection method: clinical testing. Allele origin: germline. Observed: 1 variant allele.
Comment: The p.Pro1053Ser variant in MYO7A has not been previously reported in individual s with hearing loss or Usher syndrome, but it has been identified in 2/9468 Afri can chromosomes and in 4/64768 European chromosomes by the Exome Aggregation Con sortium (ExAC; dbSNP rs370104824). Although this variant has been seen in the general population, its frequency is not high enou gh to rule out a pathogenic role. Computational prediction tools and conservatio n analyses do not provide strong support for or against an impact to the protein . In summary, the clinical significance of the p.Pro1053Ser variant is uncertain .

Natera, Inc.
Classification: Uncertain significance for Usher syndrome type 1B. Last evaluated: 2020-01-24. Review status: no assertion criteria provided. Collection method: clinical testing. Allele origin: germline. Not counted in ClinVar's aggregate classification.